The following is an entry in ClinVar:

ClinVar aggregate classification (germline): Pathogenic/Likely pathogenic. Review status: criteria provided, multiple submitters, no conflicts (2 of 4 stars). 6 submissions from 6 submitters: Pathogenic (4); Likely pathogenic (2). Last evaluated 2026-03-04.

Conditions:
Cardiomyopathy, familial hypertrophic 27. Identifiers: MedGen C4748014, MONDO:0054838, OMIM 618052.
ALPK3-related autosomal dominant hypertrophic cardiomyopathy.
ALPK3-related disorder. Also called: ALPK3-related condition.
Cardiovascular phenotype. Identifiers: MedGen CN230736.

Allele frequency attached by ClinVar (database versions not stated): gnomAD 0.00001; TOPMed 0.00002.
gnomAD v4.1: 13 of 1,613,606 alleles (0.00081%); highest among the groups gnomAD compares: African/African-American, 0.004%; no homozygotes.

Submissions (6):

PreventionGenetics, part of Exact Sciences
Classification: Likely pathogenic for ALPK3-related condition. Last evaluated: 2026-03-04. Review status: criteria provided, single submitter. Criteria: ACMG Guidelines, 2015. Collection method: clinical testing. Allele origin: germline.
Comment: The ALPK3 c.3061C>T variant is predicted to result in premature protein termination (p.Arg1021*). To our knowledge, this variant has not been reported in the literature. This variant is reported in 0.0062% of alleles in individuals of African descent in gnomAD and is interpreted as pathogenic in ClinVar (Variation ID: 1799378). Nonsense variants in ALPK3 are expected to be pathogenic. This variant is interpreted as likely pathogenic.

Labcorp Genetics (formerly Invitae), Labcorp
Classification: Pathogenic. Last evaluated: 2025-02-26. Review status: criteria provided, single submitter. Criteria: Invitae Variant Classification Sherloc (09022015). Collection method: clinical testing. Allele origin: germline.
Comment: This sequence change creates a premature translational stop signal (p.Arg1021*) in the ALPK3 gene. It is expected to result in an absent or disrupted protein product. Loss-of-function variants in ALPK3 are known to be pathogenic (PMID: 21441111, 26846950, 27106955, 34263907). This variant is present in population databases (no rsID available, gnomAD 0.007%). This variant has not been reported in the literature in individuals affected with ALPK3-related conditions. ClinVar contains an entry for this variant (Variation ID: 1799378). For these reasons, this variant has been classified as Pathogenic.

GeneDx
Classification: Pathogenic. Last evaluated: 2024-09-19. Review status: criteria provided, single submitter. Criteria: GeneDx Variant Classification Process June 2021. Collection method: clinical testing. Allele origin: germline.
Comment: Not observed at significant frequency in large population cohorts (gnomAD); Nonsense variant predicted to result in protein truncation or nonsense mediated decay in a gene for which loss of function is a known mechanism of disease; Has not been previously published as pathogenic or benign to our knowledge; This variant is associated with the following publications: (PMID: 39036505)

3billion
Classification: Pathogenic for Cardiomyopathy, familial hypertrophic 27. Last evaluated: 2024-07-16. Review status: criteria provided, single submitter. Criteria: ACMG Guidelines, 2015. Collection method: clinical testing. Allele origin: germline. Affected: yes.
Comment: The variant is observed at an extremely low frequency in the gnomAD v4.0.0 dataset (total allele frequency: <0.001%). Predicted Consequence/Location: Stop-gained (nonsense): predicted to result in a loss or disruption of normal protein function through nonsense-mediated decay (NMD) or protein truncation. Multiple pathogenic variants are reported downstream of the variant. The variant has been reported at least twice as pathogenic with clinical assertions and evidence for the classification (ClinVar ID: VCV001799378 /3billion dataset). Therefore, this variant is classified as Pathogenic according to the recommendation of ACMG/AMP guideline.

Ambry Genetics
Classification: Pathogenic for Cardiovascular phenotype. Last evaluated: 2023-08-31. Review status: criteria provided, single submitter. Criteria: Ambry Variant Classification Scheme 2023. Collection method: clinical testing. Allele origin: germline.
Comment: The p.R1021* pathogenic mutation (also known as c.3061C>T), located in coding exon 6 of the ALPK3 gene, results from a C to T substitution at nucleotide position 3061. This changes the amino acid from an arginine to a stop codon within coding exon 6. This alteration has been observed in at least one individual with a personal history consistent with hypertrophic cardiomyopathy (Ambry internal data). This alteration is expected to result in loss of function by premature protein truncation or nonsense-mediated mRNA decay. As such, this alteration is interpreted as a disease-causing mutation.

Clinical Genetics Service, Universitary Hospital 12 de Octubre
Classification: Likely pathogenic for ALPK3-related autosomal dominant hypertrophic cardiomyopathy. Review status: criteria provided, single submitter. Criteria: ACMG Guidelines, 2015. Collection method: clinical testing. Allele origin: germline. Affected: yes.

Literature cited by the submitters: PubMed 21441111 (cited by Labcorp Genetics (formerly Invitae), Labcorp); PubMed 26846950 (cited by Labcorp Genetics (formerly Invitae), Labcorp); PubMed 27106955 (cited by Labcorp Genetics (formerly Invitae), Labcorp); PubMed 34263907 (cited by Labcorp Genetics (formerly Invitae), Labcorp).

NM_020778.5(ALPK3):c.2455C>T (p.Arg819Ter)

Gene: ALPK3 (alpha kinase 3; plus strand). Cytogenetic location: 15q25.3.
Variant type: single nucleotide variant.
Coding change: c.2455C>T on transcript NM_020778.5 (MANE Select); coding-DNA position 2455, C replaced by T.
Protein change: p.Arg819Ter; replaces arginine 819 with a stop codon.
Molecular consequence: nonsense.
Genome position (GRCh38, 1-based): chr15:84,857,193, C>T. VCF-style: chr15-84857193-C-T. GRCh37 (hg19) VCF-style: chr15-85400424-C-T.
Other names: short protein forms R819*.
Identifiers: ClinVar variation 1799378 (VCV001799378.13), dbSNP rs1186665805, ClinGen allele CA393357214.